The following is an entry in ClinVar:

NM_006005.3(WFS1):c.343G>A (p.Gly115Ser)

Gene: WFS1 (wolframin ER transmembrane glycoprotein; plus strand). Cytogenetic location: 4p16.1.
Variant type: single nucleotide variant.
Coding change: c.343G>A on transcript NM_006005.3 (MANE Select); coding-DNA position 343, G replaced by A.
Protein change: p.Gly115Ser; replaces glycine 115 with serine.
Molecular consequence: missense variant.
Genome position (GRCh38, 1-based): chr4:6,289,014, G>A. VCF-style: chr4-6289014-G-A. GRCh37 (hg19) VCF-style: chr4-6290741-G-A.
Other names: c.343G>A, p.Gly115Ser (NM_001145853.1); short protein forms G115S.
Identifiers: ClinVar variation 1284287 (VCV001284287.15), dbSNP rs780727054, ClinGen allele CA2838868.
Genomic context (GRCh38, chr4:6,289,014, plus strand): 5'-GAATCTGGAGGCTGACTGGTGTCTGGCTTGCAGGTGGGGAAGCACTACCTGCAGTTGGCC[G>A]GCGACACGGATGAAGAACTCAACAGCTGCACCGCTGTGGACTGGCTGGTCCTCGCCGCGA-3'
Protein context (NP_005996.2, residues 105-125): EVGKHYLQLA[Gly115Ser]DTDEELNSCT

ClinVar aggregate classification (germline): Uncertain significance. Review status: criteria provided, multiple submitters, no conflicts (2 of 4 stars). 5 submissions from 5 submitters: Uncertain significance (3). 2 of the submissions do not count toward it. Last evaluated 2025-12-22.

Conditions:
Autosomal dominant nonsyndromic hearing loss 6 (LFSNHL). Also called: Autosomal dominant nonsyndromic deafness 6; DEAFNESS, AUTOSOMAL DOMINANT 6; DEAFNESS, AUTOSOMAL DOMINANT 14; DEAFNESS, AUTOSOMAL DOMINANT 38. Identifiers: Orphanet 90635, MedGen C1833021, MONDO:0010963, OMIM 600965.
Type 2 diabetes mellitus. Also called: Type II diabetes mellitus. Identifiers: MedGen C0011860, MeSH D003924, MONDO:0005148, OMIM 125853, HP:0005978.
Wolfram-like syndrome. Also called: HEARING LOSS, PROGRESSIVE, WITH OPTIC ATROPHY AND/OR IMPAIRED GLUCOSE REGULATION. Identifiers: Orphanet 411590, MedGen C3280358, MONDO:0013673, OMIM 614296.
Cataract 41 (CTRCT41). Also called: CATARACT 41, CONGENITAL NUCLEAR TYPE. Identifiers: Orphanet 91492, Orphanet 98991, Orphanet 98992, Orphanet 98995, MedGen C3805412, MONDO:0007287, OMIM 116400.
Wolfram syndrome 1 (WFS1). Identifiers: Orphanet 3463, MedGen C4551693, MONDO:0009101, OMIM 222300.

Allele frequency attached by ClinVar (database versions not stated): gnomAD exomes 0.00005 and 0.00007; ExAC 0.00006; TOPMed 0.00007.
gnomAD v4.1: 75 of 1,608,484 alleles (0.0047%); highest among the groups gnomAD compares: East Asian, 0.022%; no homozygotes.

Submissions (5):

Labcorp Genetics (formerly Invitae), Labcorp
Classification: Uncertain significance. Last evaluated: 2025-12-22. Review status: criteria provided, single submitter. Criteria: Invitae Variant Classification Sherloc (09022015). Collection method: clinical testing. Allele origin: germline.
Comment: This sequence change replaces glycine, which is neutral and non-polar, with serine, which is neutral and polar, at codon 115 of the WFS1 protein (p.Gly115Ser). This variant is present in population databases (rs780727054, gnomAD 0.04%). This variant has not been reported in the literature in individuals affected with WFS1-related conditions. ClinVar contains an entry for this variant (Variation ID: 1284287). Invitae Evidence Modeling of protein sequence and biophysical properties (such as structural, functional, and spatial information, amino acid conservation, physicochemical variation, residue mobility, and thermodynamic stability) indicates that this missense variant is not expected to disrupt WFS1 protein function with a negative predictive value of 80%. In summary, the available evidence is currently insufficient to determine the role of this variant in disease. Therefore, it has been classified as a Variant of Uncertain Significance.

GeneDx
Classification: Uncertain significance. Last evaluated: 2025-03-04. Review status: criteria provided, single submitter. Criteria: GeneDx Variant Classification Process June 2021. Collection method: clinical testing. Allele origin: germline. Affected: yes.
Comment: In silico analysis indicates that this missense variant does not alter protein structure/function; Has not been previously published as pathogenic or benign to our knowledge

Fulgent Genetics
Classification: Uncertain significance for Cataract 41; Type 2 diabetes mellitus; Wolfram syndrome 1; Autosomal dominant nonsyndromic hearing loss 6; Wolfram-like syndrome. Last evaluated: 2022-03-05. Review status: criteria provided, single submitter. Criteria: ACMG Guidelines, 2015. Collection method: clinical testing. Allele origin: unknown.

Clinical Genetics DNA and cytogenetics Diagnostics Lab, Erasmus MC, Erasmus Medical Center
Classification: Likely benign. Review status: no assertion criteria provided. Collection method: clinical testing. Allele origin: germline. Affected: yes. Study: VKGL Data-share Consensus. Not counted in ClinVar's aggregate classification.

Clinical Genetics, Academic Medical Center
Classification: Likely benign. Review status: no assertion criteria provided. Collection method: clinical testing. Allele origin: germline. Affected: yes. Study: VKGL Data-share Consensus. Not counted in ClinVar's aggregate classification.